The following is an entry in ClinVar:

NM_032638.5(GATA2):c.674G>A (p.Ser225Asn)

Gene: GATA2 (GATA binding protein 2; minus strand). Cytogenetic location: 3q21.3.
Variant type: single nucleotide variant.
Coding change: c.674G>A on transcript NM_032638.5 (MANE Select); coding-DNA position 674, G replaced by A.
Protein change: p.Ser225Asn; replaces serine 225 with asparagine.
Molecular consequence: missense variant.
Genome position (GRCh38, 1-based): chr3:128,485,924, C>T on the plus strand (G>A on the coding strand, the complement: GATA2 is on the minus strand). VCF-style: chr3-128485924-C-T. GRCh37 (hg19) VCF-style: chr3-128204767-C-T.
Other names: c.674G>A, p.Ser225Asn (NM_001145661.2, NM_001145662.1); short protein forms S225N.
Identifiers: ClinVar variation 472464 (VCV000472464.13), dbSNP rs146116228, ClinGen allele CA2599979.

ClinVar aggregate classification (germline): Conflicting classifications of pathogenicity. Review status: criteria provided, conflicting classifications (1 of 4 stars). 3 submissions from 3 submitters: Uncertain significance (2); Likely benign (1). Last evaluated 2025-01-14.

Conditions:
Monocytopenia with susceptibility to infections. Also called: MONOCYTOPENIA AND MYCOBACTERIAL INFECTION SYNDROME; MONOCYTOPENIA WITH SUSCEPTIBILITY TO MYCOBACTERIAL, FUNGAL, AND PAPILLOMAVIRUS INFECTIONS AND MYELODYSPLASIA; COMBINED IMMUNODEFICIENCY WITH SUSCEPTIBILITY TO MYCOBACTERIAL, VIRAL, AND FUNGAL INFECTIONS; Dendritic cell, monocyte, B lymphocyte, and natural killer lymphocyte deficiency; IMMUNODEFICIENCY 21; GATA2 DEFICIENCY. Identifiers: Orphanet 228423, MedGen C3280030, MONDO:0013607, OMIM 614172.
Deafness-lymphedema-leukemia syndrome. Also called: Lymphedema, primary, with myelodysplasia; Emberger syndrome. Identifiers: Orphanet 3226, MedGen C3279664, MONDO:0013540, OMIM 614038.
Inborn genetic diseases. Identifiers: MedGen C0950123, MeSH D030342.

Allele frequency attached by ClinVar (database versions not stated): ExAC 0.00001; gnomAD 0.00001; TOPMed 0.00001; ESP Exome Variant Server 0.00008.
gnomAD v4.1: 2 of 1,614,078 alleles (0.00012%); highest among the groups gnomAD compares: African/African-American, 0.0027%; no homozygotes.

Submissions (3):

Ambry Genetics
Classification: Uncertain significance for Inborn genetic diseases. Last evaluated: 2025-01-14. Review status: criteria provided, single submitter. Criteria: Ambry Variant Classification Scheme 2023. Collection method: clinical testing. Allele origin: germline.
Comment: The p.S225N variant (also known as c.674G>A), located in coding exon 2 of the GATA2 gene, results from a G to A substitution at nucleotide position 674. The serine at codon 225 is replaced by asparagine, an amino acid with highly similar properties. This amino acid position is not well conserved in available vertebrate species. In addition, this alteration is predicted to be tolerated by in silico analysis. Based on the available evidence, the clinical significance of this variant remains unclear.

Labcorp Genetics (formerly Invitae), Labcorp
Classification: Likely benign for Monocytopenia with susceptibility to infections; Deafness-lymphedema-leukemia syndrome. Last evaluated: 2024-10-08. Review status: criteria provided, single submitter. Criteria: Invitae Variant Classification Sherloc (09022015). Collection method: clinical testing. Allele origin: germline.

GeneDx
Classification: Uncertain significance. Last evaluated: 2023-12-18. Review status: criteria provided, single submitter. Criteria: GeneDx Variant Classification Process June 2021. Collection method: clinical testing. Allele origin: germline. Affected: yes.
Comment: Not observed at significant frequency in large population cohorts (gnomAD); In silico analysis supports that this missense variant does not alter protein structure/function; Has not been previously published as pathogenic or benign to our knowledge